The following is an entry in ClinVar:

NM_006158.5(NEFL):c.227T>C (p.Val76Ala)

Gene: NEFL (neurofilament light chain; minus strand). Cytogenetic location: 8p21.2.
Variant type: single nucleotide variant.
Coding change: c.227T>C on transcript NM_006158.5 (MANE Select); coding-DNA position 227, T replaced by C.
Protein change: p.Val76Ala; replaces valine 76 with alanine.
Molecular consequence: missense variant.
Genome position (GRCh38, 1-based): chr8:24,956,289, A>G on the plus strand (T>C on the coding strand, the complement: NEFL is on the minus strand). VCF-style: chr8-24956289-A-G. GRCh37 (hg19) VCF-style: chr8-24813803-A-G.
Other names: short protein forms V76A.
Identifiers: ClinVar variation 66686 (VCV000066686.19), dbSNP rs58907919, ClinGen allele CA217529.

ClinVar aggregate classification (germline): Conflicting classifications of pathogenicity. Review status: criteria provided, conflicting classifications (1 of 4 stars). 8 submissions from 8 submitters: Uncertain significance (1); Benign (2); Likely benign (2). 3 of the submissions do not count toward it. Last evaluated 2025-12-23.

Conditions:
Charcot-Marie-Tooth disease. Also called: Charcot-Marie-Tooth Neuropathy; Charcot-Marie-Tooth Hereditary Neuropathy. Identifiers: Orphanet 166, MedGen C0007959, MONDO:0015626.
Charcot-Marie-Tooth disease type 1F. Also called: Charcot-Marie-Tooth disease, demyelinating, type 1f; CHARCOT-MARIE-TOOTH NEUROPATHY, TYPE 1F. Identifiers: Orphanet 101085, MedGen C1843164, MONDO:0011902, OMIM 607734.
Charcot-Marie-Tooth disease type 2E (CMT2E). Also called: CHARCOT-MARIE-TOOTH DISEASE, AXONAL, TYPE 2E; CHARCOT-MARIE-TOOTH NEUROPATHY, TYPE 2E. Identifiers: Orphanet 99939, MedGen C1843225, MONDO:0011894, OMIM 607684.
NEFL-related disorder. Also called: NEFL-related condition.

Allele frequency attached by ClinVar (database versions not stated): gnomAD 0.00013 and 0.00026; gnomAD exomes 0.00027 and 0.00071; TOPMed 0.00028; ExAC 0.00091; 1000 Genomes Project 0.00280; 1000 Genomes Project 30x 0.00281.
gnomAD v4.1: 420 of 1,611,162 alleles (0.026%); highest among the groups gnomAD compares: East Asian, 0.83%; no homozygotes.

Submissions (8):

Labcorp Genetics (formerly Invitae), Labcorp
Classification: Benign for Charcot-Marie-Tooth disease type 2E. Last evaluated: 2025-12-23. Review status: criteria provided, single submitter. Criteria: Invitae Variant Classification Sherloc (09022015). Collection method: clinical testing. Allele origin: germline.

GeneDx
Classification: Uncertain significance. Last evaluated: 2024-12-04. Review status: criteria provided, single submitter. Criteria: GeneDx Variant Classification Process June 2021. Collection method: clinical testing. Allele origin: germline. Affected: yes.
Comment: Reported previously in individuals with CMT as well as unaffected control individuals; however, there is a nomenclature discrepancy and it is possible this is not the same variant (PMID: 12477167); In-silico analysis is inconclusive as to whether the variant impacts protein structure/function. In the absence of functional studies, the actual effect of this sequence change is unknown; This variant is associated with the following publications: (PMID: 12477167)

Blueprint Genetics
Classification: Likely benign. Last evaluated: 2024-03-25. Review status: criteria provided, single submitter. Criteria: ACMG Guidelines, 2015. Collection method: clinical testing. Allele origin: germline.

Illumina Laboratory Services, Illumina
Classification: Benign for Charcot-Marie-Tooth disease type 1F. Last evaluated: 2018-01-13. Review status: criteria provided, single submitter. Criteria: ICSL Variant Classification Criteria 13 December 2019. Collection method: clinical testing. Allele origin: germline.
Comment: This variant was observed in the ICSL laboratory as part of a predisposition screen in an ostensibly healthy population. It had not been previously curated by ICSL or reported in the Human Gene Mutation Database (HGMD: prior to June 1st, 2018), and was therefore a candidate for classification through an automated scoring system. Utilizing variant allele frequency, disease prevalence and penetrance estimates, and inheritance mode, an automated score was calculated to assess if this variant is too frequent to cause the disease. Based on the score and internal cut-off values, a variant classified as benign is not then subjected to further curation. The score for this variant resulted in a classification of benign for this disease.

Molecular Genetics Laboratory, London Health Sciences Centre
Classification: Likely benign for Charcot-Marie-Tooth disease. Review status: criteria provided, single submitter. Criteria: ACMG Guidelines, 2015. Collection method: clinical testing. Allele origin: germline. Affected: yes.

PreventionGenetics, part of Exact Sciences
Classification: Likely benign for NEFL-related condition. Last evaluated: 2019-04-08. Review status: no assertion criteria provided. Collection method: clinical testing. Allele origin: germline. Not counted in ClinVar's aggregate classification.
Comment: This variant is classified as likely benign based on ACMG/AMP sequence variant interpretation guidelines (Richards et al. 2015 PMID: 25741868, with internal and published modifications).

Epithelial Biology;  Institute of Medical Biology, Singapore
No classification provided. Review status: no classification provided. Collection method: not provided. Allele origin: not provided. Not counted in ClinVar's aggregate classification.

Inherited Neuropathy Consortium
Classification: Likely benign. Review status: no assertion criteria provided. Collection method: literature only. Allele origin: germline. Affected: yes. Not counted in ClinVar's aggregate classification.

Literature cited by the submitters: PubMed 12477167 (cited by Inherited Neuropathy Consortium).